The following continues an entry in ClinVar:

NM_002834.5(PTPN11):c.1529A>C (p.Gln510Pro)

Gene: PTPN11. ClinVar aggregate classification (germline): Pathogenic. Pathogenic (1).

Submissions 11 to 18 of 18:

ARUP Laboratories, Molecular Genetics and Genomics, ARUP Laboratories
Classification: Pathogenic. Last evaluated: 2018-01-22. Review status: criteria provided, single submitter. Criteria: ARUP Molecular Germline Variant Investigation Process. Collection method: clinical testing. Allele origin: germline. Not counted in ClinVar's aggregate classification.
Comment: PTPN11:c.1529A>C; p.Gln510Pro is a well-known variant shown to co-segregate with disease in multiple families with LEOPARD syndrome (LS) (Kalidas 2005, Keren 2004), and has been identified in mixed cohorts of LS and Noonan syndrome (NS) patients (Tartaglia 2006 and Brasil 2010). Like other PTPN11 variants associated with LS, p.Gln510Pro has been shown to have a negative effect on PTP activity in cell culture, whereas variants associated with NS have a positive effect (Hanna 2006 and Edouard 2010). This variant is absent from the general population databases (1000 Genomes Project, Exome Variant Server, Genome Aggregation Database) but has been report to ClinVar as pathogenic by an expert panel (Variation ID: 13344). Based on these observations the p.Gln510Pro variant has been classified as pathogenic.

Molecular Diagnostics Lab, Nemours Children's Health, Delaware
Classification: Pathogenic. Last evaluated: 2015-09-30. Review status: criteria provided, single submitter. Criteria: ACMG Guidelines, 2015. Collection method: clinical testing. Allele origin: unknown. Affected: yes. Observed: 1 variant allele. Not counted in ClinVar's aggregate classification.

Laboratory for Molecular Medicine, Mass General Brigham Personalized Medicine
Classification: Pathogenic for Noonan syndrome; Noonan syndrome with multiple lentigines. Last evaluated: 2014-07-28. Review status: criteria provided, single submitter. Criteria: LMM Criteria. Collection method: clinical testing. Allele origin: germline. Inheritance: Autosomal dominant inheritance. Observed: 4 variant alleles. Not counted in ClinVar's aggregate classification.
Comment: The p.Gln510Pro variant in PTPN11 has been reported in at least 10 individuals w ith clinical features of LEOPARD syndrome and Noonan syndrome (Tartaglia 2006, K alidas 2005, Keren 2004, LMM upublished data) and segregated with disease in 3 a ffected relatives from 2 families (Kalidas 2005, Keren 2004). It has not been id entified in large population studies. Studies have shown that the Gln510Pro vari ant impacts protein function by decreasing the phosphatase activity of the prote in (Hanna 2006). In addition, a second variant at this codon (Gln510Glu) has be en identified more than 10 affected individuals and occurred de novo in at least one individual, suggesting that changes to this residue are not tolerated. In summary, this variant meets our criteria to be classified as pathogenic for Noon an spectrum disorders in an autosomal dominant manner.

3billion
Classification: Pathogenic for LEOPARD syndrome 1. Review status: criteria provided, single submitter. Criteria: ACMG Guidelines, 2015. Collection method: clinical testing. Allele origin: unknown. Affected: yes. Observed: 1 heterozygote. Not counted in ClinVar's aggregate classification.
Comment: The variant is not observed in the gnomAD v2.1.1 dataset. The variant is located in a mutational hot spot and/or well-established functional domain in which established pathogenic variants have been reported. Missense changes are a common disease-causing mechanism. In silico tool predictions suggest damaging effect of the variant on gene or gene product (REVEL: 0.98; 3Cnet: 0.98). Same nucleotide change resulting in same amino acid change has been previously reported as pathogenic/likely pathogenic with strong evidence (ClinVar ID: VCV000013344 / PMID: 15520399 / 3billion dataset). The variant has been previously reported as de novo in at least two similarly affected unrelated individuals (PMID: 15520399, 20578946). Different missense changes at the same codon (p.Gln510Arg, p.Gln510Glu, p.Gln510His, p.Gln510Leu) have been reported as pathogenic/likely pathogenic with strong evidence (ClinVar ID: VCV000013345, VCV000040566, VCV000040567, VCV000811634, VCV000981537 / PMID: 15889278, 15948193, 21910226, 27193571 / 3billion dataset). Therefore, this variant is classified as Pathogenic according to the recommendation of ACMG/AMP guideline.

PreventionGenetics, part of Exact Sciences
Classification: Pathogenic for PTPN11-related condition. Last evaluated: 2024-01-18. Review status: no assertion criteria provided. Collection method: clinical testing. Allele origin: germline. Not counted in ClinVar's aggregate classification.
Comment: The PTPN11 c.1529A>C variant is predicted to result in the amino acid substitution p.Gln510Pro. This variant has been reported in multiple unrelated individuals with Noonan syndrome with or without multiple lentigines and arose de novo in at least one individual (Table 1, Keren et al. 2004. PubMed ID: 15520399; Table 2, Tartaglia et al. 2005. PubMed ID: 16358218; Brasil et al. 2010. PubMed ID: 20578946; Table 3, Chinton et al. 2019. PubMed ID: 31560489; Figure 3, Yu et al. 2019. PubMed ID: 30896080). This variant has been reported to segregate with Noonan syndrome with multiple lentigines in 5 individuals from 2 families (Table 1, Keren et al. 2004. PubMed ID: 15520399; Kalidas et al. 2004. PubMed ID: 15690106). In vitro experimental studies suggest this variant impacts protein function (Figure 3D, Edouard et al. 2010. PubMed ID: 20308328). Alternate nucleotide changes affecting the same amino acid (p.Gln510Glu, p.Gln510Arg, p.Gln510His), have been reported as pathogenic in individuals with PTPN11-associated disease (Bertola et al. 2005. PubMed ID: 15948193; Table 2, Tartaglia et al. 2005. PubMed ID: 16358218; Digilio et al. 2006. PubMed ID: 16733669; Wakabayashi et al. 2011. PubMed ID: 21910226; Table 3, Chinton et al. 2019. PubMed ID: 31560489). This variant has not been reported in a large population database, indicating this variant is rare. In ClinVar, the ClinGen RASopathy expert panel interprets this variant as pathogenic. Taken together, we interpret this variant as pathogenic.

OMIM
Classification: Pathogenic for LEOPARD SYNDROME 1. Last evaluated: 2010-05-01. Review status: no assertion criteria provided. Collection method: literature only. Allele origin: germline. Not counted in ClinVar's aggregate classification.

Genome Diagnostics Laboratory, University Medical Center Utrecht
Classification: Pathogenic. Review status: no assertion criteria provided. Collection method: clinical testing. Allele origin: germline. Affected: yes. Study: VKGL Data-share Consensus. Not counted in ClinVar's aggregate classification.

Joint Genome Diagnostic Labs from Nijmegen and Maastricht, Radboudumc and MUMC+
Classification: Pathogenic. Review status: no assertion criteria provided. Collection method: clinical testing. Allele origin: germline. Affected: yes. Study: VKGL Data-share Consensus. Not counted in ClinVar's aggregate classification.

Literature cited by the submitters: PubMed 15520399 (cited by 6 submitters); PubMed 20578946 (cited by 4 submitters); PubMed 21677813 (cited by Labcorp Genetics (formerly Invitae), Labcorp); PubMed 22058153 (cited by Labcorp Genetics (formerly Invitae), Labcorp); PubMed 25708222 (cited by Labcorp Genetics (formerly Invitae), Labcorp); PubMed 16638574 (cited by 4 submitters); PubMed 20308328 (cited by 3 submitters); PubMed 15690106 (cited by 4 submitters); PubMed 16358218 (cited by 3 submitters); PubMed 22488759 (cited by Women's Health and Genetics/Laboratory Corporation of America, LabCorp); PubMed 15948193 (cited by Molecular Diagnostics Lab, Nemours Children's Health, Delaware and 3billion); PubMed 27193571 (cited by 3billion); PubMed 15889278 (cited by 3billion); PubMed 21910226 (cited by 3billion).